The following is an entry in ClinVar:

ClinVar aggregate classification (germline): Likely benign. Review status: reviewed by expert panel (3 of 4 stars). 4 submissions from 4 submitters: Likely benign (1). 3 of the submissions do not count toward it. Last evaluated 2026-04-20.

Conditions:
Arginine:glycine amidinotransferase deficiency (CCDS3). Also called: AGAT deficiency; L-Arginine:Glycine Amidinotransferase (AGAT) Deficiency; Cerebral creatine deficiency syndrome 3; L-Arginine:Glycine Amidinotransferase Deficiency; Creatine deficiency syndrome due to AGAT deficiency; GATM deficiency. Identifiers: Orphanet 35704, MedGen C2675179, MONDO:0012996, OMIM 612718.

Allele frequency attached by ClinVar (database versions not stated): gnomAD below 0.00001 and 0.00001; gnomAD exomes 0.00002 and 0.00006; ExAC 0.00006.
gnomAD v4.1: 31 of 1,612,122 alleles (0.0019%); highest among the groups gnomAD compares: South Asian, 0.032%; 1 homozygote.

Submissions (4):

ClinGen Cerebral Creatine Deficiency Syndromes Variant Curation Expert Panel, ClinGen
Classification: Likely benign for Arginine:glycine amidinotransferase deficiency. Last evaluated: 2026-04-20. Review status: reviewed by expert panel. Criteria: ClinGen CCDS ACMG Specifications GATM V2.0.0. Collection method: curation. Allele origin: germline. Inheritance: Autosomal recessive inheritance.
Comment: The NM_001482.3:c.1042+3A>G variant in GATM is an intronic variant affecting a nucleotide within the consensus splice region of intron 7. This variant has been detected in one individual with autism spectrum disorder and epilepsy (PMID: 35512185), who was heterozygous for the variant without a second GATM variant reported and without biochemical evidence of AGAT deficiency reported; thus, neither PM3 nor PP4 apply. The total GrpMax filtering allele frequency in gnomAD v4.1.0. is 0.0002278 from the South Asian genetic ancestry group (the lower threshold of the 95% CI of 29/91048 alleles; with one homozygote), which is higher than the ClinGen CCDS VCEP's threshold (>0.0001) for BS1, and therefore meets this criterion (BS1). The computational splicing predictor SpliceAI gives a score of 0.01 for donor loss suggesting that the variant has no impact on splicing (BP4). There is a ClinVar entry for this variant (Variation ID: 205609). In summary, this variant meets the criteria to be classified as likely benign for AGAT deficiency based on the ACMG/AMP criteria applied, as specified by the ClinGen Cerebral Creatine Deficiency Syndromes Variant Curation Expert Panel (Specifications Version 2.0.0): BS1, BP4. (Classification approved by the ClinGen Cerebral Creatine Deficiency Syndromes Variant Curation Expert Panel on April 20, 2026).

Labcorp Genetics (formerly Invitae), Labcorp
Classification: Uncertain significance for Arginine:glycine amidinotransferase deficiency. Last evaluated: 2025-09-17. Review status: criteria provided, single submitter. Criteria: Invitae Variant Classification Sherloc (09022015). Collection method: clinical testing. Allele origin: germline. Not counted in ClinVar's aggregate classification.
Comment: This sequence change falls in intron 7 of the GATM gene. It does not directly change the encoded amino acid sequence of the GATM protein. It affects a nucleotide within the consensus splice site. This variant is present in population databases (rs752016309, gnomAD 0.05%), including at least one homozygous and/or hemizygous individual. This variant has not been reported in the literature in individuals affected with GATM-related conditions. ClinVar contains an entry for this variant (Variation ID: 205609). Variants that disrupt the consensus splice site are a relatively common cause of aberrant splicing (PMID: 17576681, 9536098). Algorithms developed to predict the effect of sequence changes on RNA splicing suggest that this variant may disrupt the consensus splice site. In summary, the available evidence is currently insufficient to determine the role of this variant in disease. Therefore, it has been classified as a Variant of Uncertain Significance.

GeneDx
Classification: Likely benign. Last evaluated: 2013-07-01. Review status: criteria provided, single submitter. Criteria: GeneDx Variant Classification (06012015). Collection method: clinical testing. Allele origin: germline. Affected: yes. Not counted in ClinVar's aggregate classification.
Comment: This variant is considered likely benign or benign based on one or more of the following criteria: it is a conservative change, it occurs at a poorly conserved position in the protein, it is predicted to be benign by multiple in silico algorithms, and/or has population frequency not consistent with disease.

Breakthrough Genomics
Classification: Likely benign. Review status: criteria provided, single submitter. Criteria: ACMG Guidelines, 2015. Collection method: not provided. Allele origin: germline. Inheritance: Autosomal recessive inheritance. Affected: yes. Not counted in ClinVar's aggregate classification.

Literature cited by the submitters: PubMed 17576681 (cited by Labcorp Genetics (formerly Invitae), Labcorp); PubMed 9536098 (cited by Labcorp Genetics (formerly Invitae), Labcorp).

NM_001482.3(GATM):c.1042+3A>G

Gene: GATM (glycine amidinotransferase; minus strand). Cytogenetic location: 15q21.1.
Variant type: single nucleotide variant.
Coding change: c.1042+3A>G on transcript NM_001482.3 (MANE Select); 3 bases into the intron after coding-DNA position 1042, A replaced by G.
Molecular consequence: intron variant.
Genome position (GRCh38, 1-based): chr15:45,364,794, T>C on the plus strand (A>G on the coding strand, the complement: GATM is on the minus strand). VCF-style: chr15-45364794-T-C. GRCh37 (hg19) VCF-style: chr15-45656992-T-C.
Other names: c.655+3A>G (NM_001321015.2).
Identifiers: ClinVar variation 205609 (VCV000205609.8), dbSNP rs752016309, ClinGen allele CA314861.